The following is an entry in ClinVar:

ClinVar aggregate classification (germline): Pathogenic (1 of 4 stars; one submission).

Conditions:
Propionic acidemia (PROP). Also called: KETOTIC HYPERGLYCINEMIA; GLYCINEMIA, KETOTIC; HYPERGLYCINEMIA WITH KETOACIDOSIS AND LEUKOPENIA. Identifiers: Orphanet 35, MedGen C0268579, MONDO:0011628, OMIM 606054, HP:0003571.

Submission:

Labcorp Genetics (formerly Invitae), Labcorp
Classification: Pathogenic for Propionic acidemia. Last evaluated: 2023-12-22. Review status: criteria provided, single submitter. Criteria: Invitae Variant Classification Sherloc (09022015). Collection method: clinical testing. Allele origin: germline.
Comment: This sequence change creates a premature translational stop signal (p.Gly163Serfs*66) in the PCCB gene. It is expected to result in an absent or disrupted protein product. Loss-of-function variants in PCCB are known to be pathogenic (PMID: 15464417). This variant is present in population databases (no rsID available, gnomAD 0.004%). This variant has not been reported in the literature in individuals affected with PCCB-related conditions. For these reasons, this variant has been classified as Pathogenic.

Literature cited by the submitters: PubMed 15464417.

NM_000532.5(PCCB):c.483_484del (p.Gly163fs)

Gene: PCCB (propionyl-CoA carboxylase subunit beta; plus strand). Cytogenetic location: 3q22.3.
Variant type: Deletion.
Coding change: c.483_484del on transcript NM_000532.5 (MANE Select); coding-DNA positions 483 to 484, 2 bases deleted (TG; older notation c.483_484delTG).
Protein change: p.Gly163fs; shifts the reading frame from glycine 163.
Molecular consequence: frameshift variant.
Genome position (GRCh38, 1-based): chr3:136,262,005-136,262,006, TG deleted. VCF-style (leftmost placement, unchanged base first): chr3-136262004-CTG-C. GRCh37 (hg19) VCF-style: chr3-135980846-CTG-C.
Other names: c.543_544del, p.Gly183fs (NM_001178014.2); short protein forms G163fs, G183fs.
Identifiers: ClinVar variation 2782977 (VCV002782977.3), dbSNP rs1159447874, ClinGen allele CA546661845.